The following is an entry in ClinVar:

ClinVar aggregate classification (germline): Uncertain significance (1 of 4 stars; one submission).

Submission:

GeneDx
Classification: Uncertain significance. Last evaluated: 2022-01-06. Review status: criteria provided, single submitter. Criteria: GeneDx Variant Classification Process June 2021. Collection method: clinical testing. Allele origin: germline. Affected: yes.
Comment: Not observed at significant frequency in large population cohorts (gnomAD); In silico analysis supports that this missense variant has a deleterious effect on protein structure/function; Has not been previously published as pathogenic or benign to our knowledge

NM_006015.6(ARID1A):c.6322C>G (p.Pro2108Ala)

Gene: ARID1A (AT-rich interaction domain 1A; plus strand). Cytogenetic location: 1p36.11.
Variant type: single nucleotide variant.
Coding change: c.6322C>G on transcript NM_006015.6 (MANE Select); coding-DNA position 6322, C replaced by G.
Protein change: p.Pro2108Ala; replaces proline 2108 with alanine.
Molecular consequence: missense variant.
Genome position (GRCh38, 1-based): chr1:26,780,220, C>G. VCF-style: chr1-26780220-C-G. GRCh37 (hg19) VCF-style: chr1-27106711-C-G.
Other names: c.5671C>G, p.Pro1891Ala (NM_139135.4); short protein forms P1891A, P2108A.
Identifiers: ClinVar variation 1695487 (VCV001695487.2), dbSNP rs2081178435, ClinGen allele CA339191680.